The following is an entry in ClinVar:

ClinVar aggregate classification (germline): Uncertain significance (1 of 4 stars; one submission).

Submission:

Labcorp Genetics (formerly Invitae), Labcorp
Classification: Uncertain significance. Last evaluated: 2023-05-11. Review status: criteria provided, single submitter. Criteria: Invitae Variant Classification Sherloc (09022015). Collection method: clinical testing. Allele origin: germline.
Comment: In summary, the available evidence is currently insufficient to determine the role of this variant in disease. Therefore, it has been classified as a Variant of Uncertain Significance. This variant has not been reported in the literature in individuals affected with C3-related conditions. This variant is not present in population databases (gnomAD no frequency). This variant, c.2207_2209dup, results in the insertion of 1 amino acid(s) of the C3 protein (p.Arg736dup), but otherwise preserves the integrity of the reading frame.

NM_000064.4(C3):c.2204GGC[3] (p.Arg736_Gln737insArg)

Gene: C3 (complement C3; minus strand). Cytogenetic location: 19p13.3.
Variant type: Microsatellite.
Coding change: c.2204GGC[3] on transcript NM_000064.4 (MANE Select); three copies in a row of the 3-base unit GGC starting at c.2204; the reference has two copies in a row; one copy, 3 bases duplicated.
Protein change: p.Arg736_Gln737insArg.
Molecular consequence: inframe insertion.
Genome position (GRCh38, 1-based): chr19:6,707,112-6,707,114, GCC duplicated on the plus strand (GGC on the coding strand, the reverse complement: C3 is on the minus strand); duplicating any 3 consecutive bases within chr19:6,707,112-6,707,119 gives the same sequence; the position shown is the placement nearest the transcript's 3' end. VCF-style (leftmost placement, unchanged base first): chr19-6707111-T-TGCC. GRCh37 (hg19) VCF-style: chr19-6707122-T-TGCC.
Identifiers: ClinVar variation 2790404 (VCV002790404.3), dbSNP rs2512257933, ClinGen allele CA2739276372.
Genomic context (GRCh38, chr19:6,707,111, plus strand): 5'-CCTGTCCCCACCCCGTGGGACCTACTCCTGGCCAGGCCCAGGTGGCTGGCCCGCGCGTGC[T>TGCC]GCCGCCGCAGCTCTGTGATGTAGTTGCAGCAGTCCAGGAAGACCTTCTTGCACGCCTCGC-3'